The following is an entry in ClinVar:

ClinVar aggregate classification (germline): Uncertain significance (1 of 4 stars; one submission).

Conditions:
Arrhythmogenic right ventricular dysplasia 9 (ARVD9). Also called: ARRHYTHMOGENIC RIGHT VENTRICULAR DYSPLASIA, FAMILIAL, 9; Arrhythmogenic Right Ventricular Dysplasia/Cardiomyopathy 9. Identifiers: MedGen C1836906, MONDO:0012180, OMIM 609040.

Submission:

Labcorp Genetics (formerly Invitae), Labcorp
Classification: Uncertain significance for Arrhythmogenic right ventricular dysplasia 9. Last evaluated: 2024-01-06. Review status: criteria provided, single submitter. Criteria: Invitae Variant Classification Sherloc (09022015). Collection method: clinical testing. Allele origin: germline.
Comment: This sequence change replaces lysine, which is basic and polar, with glutamine, which is neutral and polar, at codon 67 of the PKP2 protein (p.Lys67Gln). This variant is not present in population databases (gnomAD no frequency). This variant has not been reported in the literature in individuals affected with PKP2-related conditions. An algorithm developed to predict the effect of missense changes on protein structure and function (PolyPhen-2) suggests that this variant is likely to be disruptive. In summary, the available evidence is currently insufficient to determine the role of this variant in disease. Therefore, it has been classified as a Variant of Uncertain Significance.

NM_001005242.3(PKP2):c.199A>C (p.Lys67Gln)

Gene: PKP2 (plakophilin 2; minus strand). Cytogenetic location: 12p11.21.
Variant type: single nucleotide variant.
Coding change: c.199A>C on transcript NM_001005242.3 (MANE Select); coding-DNA position 199, A replaced by C.
Protein change: p.Lys67Gln; replaces lysine 67 with glutamine.
Molecular consequence: missense variant. On other transcripts: 5 prime UTR variant (4).
Genome position (GRCh38, 1-based): chr12:32,896,533, T>G on the plus strand (A>C on the coding strand, the complement: PKP2 is on the minus strand). VCF-style: chr12-32896533-T-G. GRCh37 (hg19) VCF-style: chr12-33049467-T-G.
Other names: c.199A>C, p.Lys67Gln (NM_001407155.1, NM_001407156.1, NM_001407157.1 and 2 more transcripts); c.-628A>C (NM_001407158.1, NM_001407162.1); c.-392A>C (NM_001407159.1, NM_001407160.1); short protein forms K67Q.
Identifiers: ClinVar variation 2707930 (VCV002707930.3), dbSNP rs1555149950, ClinGen allele CA384370597.